The following is an entry in ClinVar:

NM_003737.4(DCHS1):c.3361G>C (p.Gly1121Arg)

Gene: DCHS1 (dachsous cadherin-related 1; minus strand). Cytogenetic location: 11p15.4.
Variant type: single nucleotide variant.
Coding change: c.3361G>C on transcript NM_003737.4 (MANE Select); coding-DNA position 3361, G replaced by C.
Protein change: p.Gly1121Arg; replaces glycine 1121 with arginine.
Molecular consequence: missense variant.
Genome position (GRCh38, 1-based): chr11:6,632,151, C>G on the plus strand (G>C on the coding strand, the complement: DCHS1 is on the minus strand). VCF-style: chr11-6632151-C-G. GRCh37 (hg19) VCF-style: chr11-6653382-C-G.
Other names: short protein forms G1121R.
Identifiers: ClinVar variation 1356552 (VCV001356552.8), dbSNP rs759226020, ClinGen allele CA5860559.

ClinVar aggregate classification (germline): Uncertain significance (1 of 4 stars; one submission).

Allele frequency attached by ClinVar (database versions not stated): TOPMed 0.00001; gnomAD 0.00002; ExAC 0.00003.
gnomAD v4.1: 23 of 1,591,856 alleles (0.0014%); highest among the groups gnomAD compares: Non-Finnish European, 0.0019%; no homozygotes.

Submission:

Labcorp Genetics (formerly Invitae), Labcorp
Classification: Uncertain significance. Last evaluated: 2024-05-19. Review status: criteria provided, single submitter. Criteria: Invitae Variant Classification Sherloc (09022015). Collection method: clinical testing. Allele origin: germline.
Comment: This sequence change replaces glycine, which is neutral and non-polar, with arginine, which is basic and polar, at codon 1121 of the DCHS1 protein (p.Gly1121Arg). This variant is present in population databases (rs759226020, gnomAD 0.005%). This variant has not been reported in the literature in individuals affected with DCHS1-related conditions. ClinVar contains an entry for this variant (Variation ID: 1356552). Advanced modeling of protein sequence and biophysical properties (such as structural, functional, and spatial information, amino acid conservation, physicochemical variation, residue mobility, and thermodynamic stability) performed at Invitae indicates that this missense variant is expected to disrupt DCHS1 protein function with a positive predictive value of 80%. In summary, the available evidence is currently insufficient to determine the role of this variant in disease. Therefore, it has been classified as a Variant of Uncertain Significance.